The following is an entry in ClinVar:

NC_000023.11:g.(?_22096955)_(22097038_?)del

Gene: PHEX (phosphate regulating endopeptidase X-linked; plus strand). Cytogenetic location: Xp22.11.
Variant type: Deletion.
Identifiers: ClinVar variation 832030 (VCV000832030.6).

ClinVar aggregate classification (germline): Likely pathogenic (1 of 4 stars; one submission).

Submission:

Labcorp Genetics (formerly Invitae), Labcorp
Classification: Likely pathogenic. Last evaluated: 2021-09-16. Review status: criteria provided, single submitter. Criteria: Invitae Variant Classification Sherloc (09022015). Collection method: clinical testing. Allele origin: germline.
Comment: This variant is a gross deletion of the genomic region encompassing exon(s) 8 of the PHEX gene. This variant would be expected to be in-frame, preserving the integrity of the reading frame. A similar copy number variant has been observed in individual(s) with hypophosphatemia (Invitae). Experimental studies and prediction algorithms are not available or were not evaluated, and the functional significance of this variant is currently unknown. In summary, the currently available evidence indicates that the variant is pathogenic, but additional data are needed to prove that conclusively. Therefore, this variant has been classified as Likely Pathogenic.